The following is an entry in ClinVar:

NM_014251.3(SLC25A13):c.1354G>A (p.Val452Ile)

Gene: SLC25A13 (solute carrier family 25 member 13; minus strand). Cytogenetic location: 7q21.3.
Variant type: single nucleotide variant.
Coding change: c.1354G>A on transcript NM_014251.3 (MANE Select); coding-DNA position 1354, G replaced by A.
Protein change: p.Val452Ile; replaces valine 452 with isoleucine.
Molecular consequence: missense variant. On other transcripts: non-coding transcript variant (1).
Genome position (GRCh38, 1-based): chr7:96,146,654, C>T on the plus strand (G>A on the coding strand, the complement: SLC25A13 is on the minus strand). VCF-style: chr7-96146654-C-T. GRCh37 (hg19) VCF-style: chr7-95775966-C-T.
Other names: p.Val452Ile; c.1357G>A, p.Val453Ile (NM_001160210.2); short protein forms V452I, V453I.
Identifiers: ClinVar variation 596092 (VCV000596092.28), dbSNP rs143877538, ClinGen allele CA4352952.

ClinVar aggregate classification (germline): Conflicting classifications of pathogenicity. Review status: criteria provided, conflicting classifications (1 of 4 stars). 8 submissions from 8 submitters: Uncertain significance (6); Benign (1). 1 of the submissions does not count toward it. Last evaluated 2026-06-23.

Conditions:
Citrullinemia type II. Also called: Citrullinemia Type II (CTLN2). Identifiers: Orphanet 247585, MedGen C1863844, MONDO:0016603.
Citrullinemia, type II, adult-onset (CDAA). Also called: CITRIN DEFICIENCY, ADOLESCENT OR ADULT ONSET. Identifiers: Orphanet 247585, MedGen CN295299, MONDO:0011326, OMIM 603471.
Adult-onset citrullinemia type I. Also called: Late-onset citrullinemia. Identifiers: Orphanet 247573, MedGen C0268546, MONDO:0016601.
Citrin deficiency. Identifiers: Orphanet 247582, MedGen C1997910, MONDO:0016602.
SLC25A13-related disorder. Also called: SLC25A13-related condition.

Allele frequency attached by ClinVar (database versions not stated): ESP Exome Variant Server 0.00015; gnomAD 0.00031 and 0.00019; gnomAD exomes 0.00050 and 0.00066; ExAC 0.00069; 1000 Genomes Project 30x 0.00109; 1000 Genomes Project 0.00120; TOPMed 0.00025.
gnomAD v4.1: 781 of 1,613,926 alleles (0.048%); highest among the groups gnomAD compares: South Asian, 0.34%; 5 homozygotes.

Submissions (8):

PreventionGenetics, part of Exact Sciences
Classification: Uncertain significance for SLC25A13-related condition. Last evaluated: 2026-06-23. Review status: criteria provided, single submitter. Criteria: ACMG Guidelines, 2015. Collection method: clinical testing. Allele origin: germline.
Comment: The SLC25A13 c.1354G>A variant is predicted to result in the amino acid substitution p.Val452Ile. This variant has been reported in this homozygous state in a patient with citrin deficiency (Şeker-Yılmaz et al. 2017. PubMed ID: 29376577). This variant is reported in 0.33% of alleles in individuals of South Asian descent in gnomAD, including 3 homozygotes. At this time, the clinical significance of this variant is uncertain due to the absence of conclusive functional and genetic evidence.

Labcorp Genetics (formerly Invitae), Labcorp
Classification: Benign for Citrin deficiency. Last evaluated: 2026-01-24. Review status: criteria provided, single submitter. Criteria: Invitae Variant Classification Sherloc (09022015). Collection method: clinical testing. Allele origin: germline.

Mayo Clinic Laboratories, Mayo Clinic
Classification: Uncertain significance. Last evaluated: 2022-09-30. Review status: criteria provided, single submitter. Criteria: ACMG Guidelines, 2015. Collection method: clinical testing. Allele origin: germline. Observed: 1 variant allele.

Pars Genome Lab
Classification: Uncertain significance for Citrullinemia, type II, adult-onset. Last evaluated: 2021-05-18. Review status: criteria provided, single submitter. Criteria: ACMG Guidelines, 2015. Collection method: clinical testing. Allele origin: germline. Affected: no.

Genomic Research Center, Shahid Beheshti University of Medical Sciences
Classification: Uncertain significance for Citrullinemia type II. Last evaluated: 2019-04-27. Review status: criteria provided, single submitter. Criteria: ACMG Guidelines, 2015. Collection method: clinical testing. Allele origin: unknown. Affected: no.

Eurofins Ntd Llc (ga)
Classification: Uncertain significance. Last evaluated: 2018-02-09. Review status: criteria provided, single submitter. Criteria: EGL ClinVar v180209 classification definitions. Collection method: clinical testing. Allele origin: germline. Observed: 2 variant alleles, 2 heterozygotes.

Illumina Laboratory Services, Illumina
Classification: Uncertain significance for Citrullinemia, type II, adult-onset. Last evaluated: 2018-01-12. Review status: criteria provided, single submitter. Criteria: ICSL Variant Classification Criteria 13 December 2019. Collection method: clinical testing. Allele origin: germline.

Natera, Inc.
Classification: Benign for Late-onset citrullinemia. Last evaluated: 2020-01-07. Review status: no assertion criteria provided. Collection method: clinical testing. Allele origin: germline. Not counted in ClinVar's aggregate classification.

Literature cited by the submitters: PubMed 29376577 (cited by Mayo Clinic Laboratories, Mayo Clinic); PubMed 29787821 (cited by Mayo Clinic Laboratories, Mayo Clinic).